The following is an entry in ClinVar:

ClinVar aggregate classification (germline): Uncertain significance. Review status: criteria provided, multiple submitters, no conflicts (2 of 4 stars). 2 submissions from 2 submitters: Uncertain significance (2). Last evaluated 2023-05-20.

Conditions:
Immunodeficiency 51 (IMD51). Also called: CANDIDIASIS, FAMILIAL, 5. Identifiers: Orphanet 1334, MedGen C4310803, MONDO:0013500, OMIM 613953.

Allele frequency attached by ClinVar (database versions not stated): gnomAD exomes 0.00001; TOPMed 0.00001; gnomAD 0.00002.
gnomAD v4.1: 11 of 1,530,576 alleles (0.00072%); highest among the groups gnomAD compares: Non-Finnish European, 0.00088%; no homozygotes.

Submissions (2):

Labcorp Genetics (formerly Invitae), Labcorp
Classification: Uncertain significance for Immunodeficiency 51. Last evaluated: 2023-05-20. Review status: criteria provided, single submitter. Criteria: Invitae Variant Classification Sherloc (09022015). Collection method: clinical testing. Allele origin: germline.
Comment: This variant has not been reported in the literature in individuals affected with IL17RA-related conditions. In summary, the available evidence is currently insufficient to determine the role of this variant in disease. Therefore, it has been classified as a Variant of Uncertain Significance. Advanced modeling of protein sequence and biophysical properties (such as structural, functional, and spatial information, amino acid conservation, physicochemical variation, residue mobility, and thermodynamic stability) performed at Invitae indicates that this missense variant is not expected to disrupt IL17RA protein function. ClinVar contains an entry for this variant (Variation ID: 340607). The frequency data for this variant in the population databases is considered unreliable, as metrics indicate poor data quality at this position in the gnomAD database. This sequence change replaces leucine, which is neutral and non-polar, with methionine, which is neutral and non-polar, at codon 696 of the IL17RA protein (p.Leu696Met).

Illumina Laboratory Services, Illumina
Classification: Uncertain significance for Immunodeficiency 51. Last evaluated: 2018-01-13. Review status: criteria provided, single submitter. Criteria: ICSL Variant Classification Criteria 13 December 2019. Collection method: clinical testing. Allele origin: germline.

NM_014339.7(IL17RA):c.2086C>A (p.Leu696Met)

Gene: IL17RA (interleukin 17 receptor A; plus strand). Cytogenetic location: 22q11.1.
Variant type: single nucleotide variant.
Coding change: c.2086C>A on transcript NM_014339.7 (MANE Select); coding-DNA position 2086, C replaced by A.
Protein change: p.Leu696Met; replaces leucine 696 with methionine.
Molecular consequence: missense variant.
Genome position (GRCh38, 1-based): chr22:17,109,305, C>A. VCF-style: chr22-17109305-C-A. GRCh37 (hg19) VCF-style: chr22-17590195-C-A.
Other names: c.1984C>A, p.Leu662Met (NM_001289905.2); short protein forms L696M, L662M.
Identifiers: ClinVar variation 340607 (VCV000340607.11), dbSNP rs886057204, ClinGen allele CA10653142.